The following is an entry in ClinVar:

ClinVar aggregate classification (germline): Benign/Likely benign. Review status: criteria provided, multiple submitters, no conflicts (2 of 4 stars). 6 submissions from 6 submitters: Benign (2); Likely benign (4). Last evaluated 2026-01-18.

Conditions:
Inborn genetic diseases. Identifiers: MedGen C0950123, MeSH D030342.
Pyridoxine-dependent epilepsy (EPEO4). Also called: Pyridoxine-Dependent Epilepsy - ALDH7A1; Pyridoxine-Dependent Seizures; PYRIDOXINE DEPENDENCY WITH SEIZURES; EPILEPSY, EARLY-ONSET, 4, VITAMIN B6-DEPENDENT. Identifiers: Orphanet 3006, MedGen C1849508, MONDO:0009945, OMIM 266100. Disease mechanism: loss of function.

Allele frequency attached by ClinVar (database versions not stated): ExAC 0.00008; ESP Exome Variant Server 0.00008; gnomAD exomes 0.00008; gnomAD 0.00010; TOPMed 0.00012.
gnomAD v4.1: 126 of 1,612,058 alleles (0.0078%); highest among the groups gnomAD compares: Non-Finnish European, 0.01%; no homozygotes.

Submissions (6):

Labcorp Genetics (formerly Invitae), Labcorp
Classification: Likely benign for Pyridoxine-dependent epilepsy. Last evaluated: 2026-01-18. Review status: criteria provided, single submitter. Criteria: Invitae Variant Classification Sherloc (09022015). Collection method: clinical testing. Allele origin: germline.

Blueprint Genetics
Classification: Likely benign. Last evaluated: 2024-06-06. Review status: criteria provided, single submitter. Criteria: ACMG Guidelines, 2015. Collection method: clinical testing. Allele origin: germline.

Genome-Nilou Lab
Classification: Benign for Pyridoxine-dependent epilepsy. Last evaluated: 2023-04-11. Review status: criteria provided, single submitter. Criteria: ACMG Guidelines, 2015. Collection method: clinical testing. Allele origin: germline. Affected: no.

CeGaT Center for Human Genetics Tuebingen
Classification: Likely benign. Last evaluated: 2022-05-01. Review status: criteria provided, single submitter. Criteria: CeGaT Center For Human Genetics Tuebingen Variant Classification Criteria Version 2. Collection method: clinical testing. Allele origin: germline. Affected: yes. Observed: 2 variant alleles.
Comment: ALDH7A1: BP4, BP7

Ambry Genetics
Classification: Likely benign for Inborn genetic diseases. Last evaluated: 2017-06-20. Review status: criteria provided, single submitter. Criteria: Ambry Variant Classification Scheme 2023. Collection method: clinical testing. Allele origin: germline.

GeneDx
Classification: Benign. Last evaluated: 2015-04-23. Review status: criteria provided, single submitter. Criteria: GeneDx Variant Classification (06012015). Collection method: clinical testing. Allele origin: germline. Affected: yes.
Comment: This variant is considered likely benign or benign based on one or more of the following criteria: it is a conservative change, it occurs at a poorly conserved position in the protein, it is predicted to be benign by multiple in silico algorithms, and/or has population frequency not consistent with disease.

NM_001182.5(ALDH7A1):c.1305C>G (p.Val435=)

Gene: ALDH7A1 (aldehyde dehydrogenase 7 family member A1; minus strand). Cytogenetic location: 5q23.2.
Variant type: single nucleotide variant.
Coding change: c.1305C>G on transcript NM_001182.5 (MANE Select); coding-DNA position 1305, C replaced by G.
Protein change: p.Val435=; no amino-acid change (valine 435 retained).
Molecular consequence: synonymous variant.
Genome position (GRCh38, 1-based): chr5:126,552,033, G>C on the plus strand (C>G on the coding strand, the complement: ALDH7A1 is on the minus strand). VCF-style: chr5-126552033-G-C. GRCh37 (hg19) VCF-style: chr5-125887725-G-C.
Other names: c.1221C>G, p.Val407= (NM_001201377.2); c.1113C>G, p.Val371= (NM_001202404.2).
Identifiers: ClinVar variation 377464 (VCV000377464.52), dbSNP rs142975776, ClinGen allele CA3389460.